The following is an entry in ClinVar:

NM_005631.5(SMO):c.1417G>A (p.Asp473Asn)

Gene: SMO (smoothened, frizzled class receptor; plus strand). Cytogenetic location: 7q32.1.
Variant type: single nucleotide variant.
Coding change: c.1417G>A on transcript NM_005631.5 (MANE Select); coding-DNA position 1417, G replaced by A.
Protein change: p.Asp473Asn; replaces aspartic acid 473 with asparagine.
Molecular consequence: missense variant.
Genome position (GRCh38, 1-based): chr7:129,209,348, G>A. VCF-style: chr7-129209348-G-A. GRCh37 (hg19) VCF-style: chr7-128849189-G-A.
Other names: c.1417G>A, p.Asp473Asn (LRG_1393t1); short protein forms D473N.
Identifiers: ClinVar variation 135270 (VCV000135270.1), dbSNP rs17710891, ClinGen allele CA162186.

ClinVar aggregate classification (germline): not provided (0 of 4 stars; one submission).

Allele frequency attached by ClinVar (database versions not stated): gnomAD 0.00001; TOPMed 0.00001 and 0.00002; gnomAD exomes 0.00002; ExAC 0.00004.
gnomAD v4.1: 26 of 1,613,930 alleles (0.0016%); highest among the groups gnomAD compares: East Asian, 0.038%; no homozygotes.

Submission:

ITMI
No classification provided. Condition: AllHighlyPenetrant. Last evaluated: 2013-09-19. Review status: no classification provided. Collection method: reference population. Allele origin: germline.
Comment: Please see associated publication for description of ethnicities

Literature cited by the submitters: PubMed 24728327.